The following is an entry in ClinVar:

ClinVar aggregate classification (germline): Likely pathogenic. Review status: criteria provided, multiple submitters, no conflicts (2 of 4 stars). 2 submissions from 2 submitters: Likely pathogenic (2). Last evaluated 2022-05-27.

Conditions:
Aneurysm-osteoarthritis syndrome. Also called: LOEYS-DIETZ SYNDROME WITH OSTEOARTHRITIS; SMAD3-Related Loeys-Dietz Syndrome; ANEURYSMS-OSTEOARTHRITIS SYNDROME; Loeys-Dietz syndrome, type 1C. Identifiers: Orphanet 284984, MedGen C3151087, MONDO:0013426, OMIM 613795.
SMAD3-related disorder. Also called: SMAD3-related condition.

Submissions (2):

Laboratorio de Genetica e Diagnostico Molecular, Hospital Israelita Albert Einstein
Classification: Likely pathogenic for Aneurysm-osteoarthritis syndrome. Last evaluated: 2022-05-27. Review status: criteria provided, single submitter. Criteria: ACMG Guidelines, 2015. Collection method: clinical testing. Allele origin: germline. Affected: yes. Observed: 1 variant allele.
Comment: ACMG classification criteria: PVS1 very strong, PM2 moderated

Blueprint Genetics
Classification: Likely pathogenic for SMAD3-related disorders. Last evaluated: 2019-09-25. Review status: criteria provided, single submitter. Criteria: ACMG Guidelines, 2015. Collection method: clinical testing. Allele origin: germline. Affected: yes. Observed: 1 variant allele.

NM_005902.4(SMAD3):c.435_436del (p.Glu145fs)

Gene: SMAD3 (SMAD family member 3; plus strand). Cytogenetic location: 15q22.33.
Variant type: Microsatellite.
Coding change: c.435_436del on transcript NM_005902.4 (MANE Select); coding-DNA positions 435 to 436, 2 bases deleted (GA; older notation c.435_436delGA).
Protein change: p.Glu145fs; shifts the reading frame from glutamic acid 145.
Molecular consequence: frameshift variant.
Genome position (GRCh38, 1-based): chr15:67,165,287-67,165,288, GA deleted; deleting any 2 consecutive bases within chr15:67,165,284-67,165,288 gives the same sequence; the c. name uses the placement nearest the transcript's 3' end. VCF-style (leftmost placement, unchanged base first): chr15-67165283-CAG-C. GRCh37 (hg19) VCF-style: chr15-67457621-CAG-C.
Other names: c.120_121del, p.Glu40fs (NM_001145102.2); c.303_304del, p.Glu101fs (NM_001145103.2); c.433_434GA[1], p.Glu145Aspfs (NM_001407011.1, NM_001407013.1); c.286_287GA[1], p.Glu96Aspfs (NM_001407014.1); c.118_119GA[1], p.Glu40Aspfs (NM_001407016.1); short protein forms E101fs, E145fs, E40fs.
Identifiers: ClinVar variation 2431521 (VCV002431521.2), dbSNP rs2505213278, ClinGen allele CA2580613862.